The following is an entry in ClinVar:

ClinVar aggregate classification (germline): Conflicting classifications of pathogenicity. Review status: criteria provided, conflicting classifications (1 of 4 stars). 2 submissions from 2 submitters: Uncertain significance (1); Likely benign (1). Last evaluated 2025-04-28.

Conditions:
Hereditary diffuse gastric adenocarcinoma (HDGC). Also called: DIFFUSE GASTRIC AND LOBULAR BREAST CANCER SYNDROME. Identifiers: Orphanet 26106, MedGen C1708349, MONDO:0007648, OMIM 137215.
Hereditary cancer-predisposing syndrome. Also called: Tumor predisposition; Hereditary neoplastic syndrome; Neoplastic Syndromes, Hereditary; Hereditary Cancer Syndrome. Identifiers: Orphanet 140162, MedGen C0027672, MeSH D009386, MONDO:0015356.

Submissions (2):

Ambry Genetics
Classification: Likely benign for Hereditary cancer-predisposing syndrome. Last evaluated: 2025-04-28. Review status: criteria provided, single submitter. Criteria: Ambry Variant Classification Scheme 2023. Collection method: clinical testing. Allele origin: germline.

Labcorp Genetics (formerly Invitae), Labcorp
Classification: Uncertain significance for Hereditary diffuse gastric adenocarcinoma. Last evaluated: 2020-10-27. Review status: criteria provided, single submitter. Criteria: Invitae Variant Classification Sherloc (09022015). Collection method: clinical testing. Allele origin: germline.
Comment: Algorithms developed to predict the effect of missense changes on protein structure and function are either unavailable or do not agree on the potential impact of this missense change (SIFT: "Tolerated"; PolyPhen-2: "Possibly Damaging"; Align-GVGD: "Class C0"). In summary, the available evidence is currently insufficient to determine the role of this variant in disease. Therefore, it has been classified as a Variant of Uncertain Significance. This variant has not been reported in the literature in individuals with CDH1-related conditions. This variant is not present in population databases (ExAC no frequency). This sequence change replaces glutamine with arginine at codon 422 of the CDH1 protein (p.Gln422Arg). The glutamine residue is moderately conserved and there is a small physicochemical difference between glutamine and arginine.

NM_004360.5(CDH1):c.1265A>G (p.Gln422Arg)

Gene: CDH1 (cadherin 1; plus strand). Cytogenetic location: 16q22.1.
Variant type: single nucleotide variant.
Coding change: c.1265A>G on transcript NM_004360.5 (MANE Select); coding-DNA position 1265, A replaced by G.
Protein change: p.Gln422Arg; replaces glutamine 422 with arginine.
Molecular consequence: missense variant. On other transcripts: 5 prime UTR variant (2), intron variant (1).
Genome position (GRCh38, 1-based): chr16:68,813,440, A>G. VCF-style: chr16-68813440-A-G. GRCh37 (hg19) VCF-style: chr16-68847343-A-G.
Other names: c.1265A>G (NM_004360.3); c.-351A>G (NM_001317185.2); c.-555A>G (NM_001317186.2); c.1137+1177A>G (NM_001317184.2); short protein forms Q422R.
Identifiers: ClinVar variation 1501767 (VCV001501767.9), dbSNP rs2152133567, ClinGen allele CA396461646.